The following is an entry in ClinVar:

ClinVar aggregate classification (germline): Uncertain significance (1 of 4 stars; one submission).

Conditions:
Atelosteogenesis type I. Also called: GIANT CELL CHONDRODYSPLASIA; SPONDYLOHUMEROFEMORAL HYPOPLASIA; Atelosteogenesis Type 1 (FLNB-AO1). Identifiers: Orphanet 1190, MedGen C0265283, MONDO:0007167, OMIM 108720.

Allele frequency attached by ClinVar (database versions not stated): gnomAD exomes below 0.00001.
gnomAD v4.1: 3 of 1,614,156 alleles (0.00019%); highest among the groups gnomAD compares: Non-Finnish European, 0.00025%; no homozygotes.

Submission:

MVZ Medizinische Genetik Mainz
Classification: Uncertain significance for Atelosteogenesis type I. Last evaluated: 2022-05-06. Review status: criteria provided, single submitter. Criteria: UK Practice Guidelines For Variant Classification V4 01 2020. Collection method: clinical testing. Allele origin: germline. Inheritance: Autosomal dominant inheritance. Affected: yes. Observed: 1 variant allele.
Comment: ACMG Criteria: PM2_SUP, PP3 (ACMG Version 3)

NM_001457.4(FLNB):c.1864T>C (p.Cys622Arg)

Gene: FLNB (filamin B; plus strand). Cytogenetic location: 3p14.3.
Variant type: single nucleotide variant.
Coding change: c.1864T>C on transcript NM_001457.4 (MANE Select); coding-DNA position 1864, T replaced by C.
Protein change: p.Cys622Arg; replaces cysteine 622 with arginine.
Molecular consequence: missense variant.
Genome position (GRCh38, 1-based): chr3:58,106,796, T>C. VCF-style: chr3-58106796-T-C. GRCh37 (hg19) VCF-style: chr3-58092523-T-C.
Other names: c.1864T>C, p.Cys622Arg (NM_001164317.2, NM_001164318.2, NM_001164319.2); short protein forms C622R.
Identifiers: ClinVar variation 3236783 (VCV003236783.1), dbSNP rs2471077153.